The following is an entry in ClinVar:

NM_001267550.2(TTN):c.3619C>A (p.Pro1207Thr)

Gene: TTN (titin; minus strand). Cytogenetic location: 2q31.2.
Variant type: single nucleotide variant.
Coding change: c.3619C>A on transcript NM_001267550.2 (MANE Select); coding-DNA position 3619, C replaced by A.
Protein change: p.Pro1207Thr; replaces proline 1207 with threonine.
Molecular consequence: missense variant.
Genome position (GRCh38, 1-based): chr2:178,780,110, G>T on the plus strand (C>A on the coding strand, the complement: TTN is on the minus strand). VCF-style: chr2-178780110-G-T. GRCh37 (hg19) VCF-style: chr2-179644837-G-T.
Other names: p.P1207T:CCT>ACT; p.Pro1207Thr; c.3481C>A, p.Pro1161Thr (NM_003319.4, NM_133432.3, NM_133437.4); c.3619C>A, p.Pro1207Thr (NM_133378.4, NM_133379.5, NM_001256850.1); short protein forms P1207T, P1161T.
Identifiers: ClinVar variation 203106 (VCV000203106.13), dbSNP rs373753003, ClinGen allele CA311258.

ClinVar aggregate classification (germline): Conflicting classifications of pathogenicity. Review status: criteria provided, conflicting classifications (1 of 4 stars). 5 submissions from 5 submitters: Uncertain significance (4); Likely benign (1). Last evaluated 2021-08-16.

Conditions:
Dilated cardiomyopathy 1G (CMD1G). Identifiers: Orphanet 154, MedGen C1858763, MONDO:0011400, OMIM 604145.
Autosomal recessive limb-girdle muscular dystrophy type 2J (LGMDR10). Also called: MUSCULAR DYSTROPHY, LIMB-GIRDLE, AUTOSOMAL RECESSIVE 10; Limb-girdle muscular dystrophy, type 2J. Identifiers: Orphanet 140922, MedGen C1837342, MONDO:0012127, OMIM 608807.
Cardiovascular phenotype. Identifiers: MedGen CN230736.

Allele frequency attached by ClinVar (database versions not stated): ExAC 0.00002; ESP Exome Variant Server 0.00008; gnomAD 0.00013; 1000 Genomes Project 30x 0.00016; TOPMed 0.00018; 1000 Genomes Project 0.00020.
gnomAD v4.1: 41 of 1,613,712 alleles (0.0025%); highest among the groups gnomAD compares: African/African-American, 0.047%; no homozygotes.

Submissions (5):

Mayo Clinic Laboratories, Mayo Clinic
Classification: Uncertain significance. Last evaluated: 2021-08-16. Review status: criteria provided, single submitter. Criteria: ACMG Guidelines, 2015. Collection method: clinical testing. Allele origin: germline.

GeneDx
Classification: Likely benign. Last evaluated: 2020-12-15. Review status: criteria provided, single submitter. Criteria: GeneDx Variant Classification Process June 2021. Collection method: clinical testing. Allele origin: germline. Affected: yes.

Revvity Omics, Revvity
Classification: Uncertain significance. Last evaluated: 2020-04-05. Review status: criteria provided, single submitter. Criteria: ACMG Guidelines, 2015. Collection method: clinical testing. Allele origin: germline.

Ambry Genetics
Classification: Uncertain significance for Cardiovascular phenotype. Last evaluated: 2018-10-31. Review status: criteria provided, single submitter. Criteria: Ambry Variant Classification Scheme 2023. Collection method: clinical testing. Allele origin: germline.
Comment: The p.P1161T variant (also known as c.3481C>A), located in coding exon 20 of the TTN gene, results from a C to A substitution at nucleotide position 3481. The proline at codon 1161 is replaced by threonine, an amino acid with highly similar properties. This amino acid position is highly conserved in available vertebrate species. In addition, the in silico prediction for this alteration is inconclusive. Since supporting evidence is limited at this time, the clinical significance of this alteration remains unclear.

Labcorp Genetics (formerly Invitae), Labcorp
Classification: Uncertain significance for Dilated cardiomyopathy 1G; Autosomal recessive limb-girdle muscular dystrophy type 2J. Last evaluated: 2016-07-02. Review status: criteria provided, single submitter. Criteria: Invitae Variant Classification Sherloc (09022015). Collection method: clinical testing. Allele origin: germline.